The following is an entry in ClinVar:

ClinVar aggregate classification (germline): Uncertain significance (1 of 4 stars; one submission).

Conditions:
RFT1-congenital disorder of glycosylation (CDG1N). Also called: RFT1-CDG; Congenital disorder of glycosylation type In; CDG In. Identifiers: Orphanet 244310, MedGen C2677590, MONDO:0012783, OMIM 612015.

Allele frequency attached by ClinVar (database versions not stated): ExAC 0.00002.
gnomAD v4.1: 4 of 1,614,160 alleles (0.00025%); highest among the groups gnomAD compares: Admixed American, 0.0033%; no homozygotes.

Submission:

Labcorp Genetics (formerly Invitae), Labcorp
Classification: Uncertain significance for RFT1-congenital disorder of glycosylation. Last evaluated: 2026-01-12. Review status: criteria provided, single submitter. Criteria: Invitae Variant Classification Sherloc (09022015). Collection method: clinical testing. Allele origin: germline.
Comment: This sequence change replaces leucine, which is neutral and non-polar, with proline, which is neutral and non-polar, at codon 125 of the RFT1 protein (p.Leu125Pro). This variant is present in population databases (rs745545121, gnomAD 0.009%). This variant has not been reported in the literature in individuals affected with RFT1-related conditions. ClinVar contains an entry for this variant (Variation ID: 2415577). Invitae Evidence Modeling of protein sequence and biophysical properties (such as structural, functional, and spatial information, amino acid conservation, physicochemical variation, residue mobility, and thermodynamic stability) indicates that this missense variant is expected to disrupt RFT1 protein function with a positive predictive value of 80%. In summary, the available evidence is currently insufficient to determine the role of this variant in disease. Therefore, it has been classified as a Variant of Uncertain Significance.

NM_052859.4(RFT1):c.374T>C (p.Leu125Pro)

Gene: RFT1 (RFT1 glycolipid translocator homolog; minus strand). Cytogenetic location: 3p21.1.
Variant type: single nucleotide variant.
Coding change: c.374T>C on transcript NM_052859.4 (MANE Select); coding-DNA position 374, T replaced by C.
Protein change: p.Leu125Pro; replaces leucine 125 with proline.
Molecular consequence: missense variant.
Genome position (GRCh38, 1-based): chr3:53,122,456, A>G on the plus strand (T>C on the coding strand, the complement: RFT1 is on the minus strand). VCF-style: chr3-53122456-A-G. GRCh37 (hg19) VCF-style: chr3-53156472-A-G.
Other names: short protein forms L125P.
Identifiers: ClinVar variation 2415577 (VCV002415577.6), dbSNP rs745545121, ClinGen allele CA2451468.